The following is an entry in ClinVar:

NM_000827.4(GRIA1):c.1627A>G (p.Ile543Val)

Gene: GRIA1 (glutamate ionotropic receptor AMPA type subunit 1; plus strand). Cytogenetic location: 5q33.2.
Variant type: single nucleotide variant.
Coding change: c.1627A>G on transcript NM_000827.4 (MANE Select); coding-DNA position 1627, A replaced by G.
Protein change: p.Ile543Val; replaces isoleucine 543 with valine.
Molecular consequence: missense variant. On other transcripts: non-coding transcript variant (2).
Genome position (GRCh38, 1-based): chr5:153,705,871, A>G. VCF-style: chr5-153705871-A-G. GRCh37 (hg19) VCF-style: chr5-153085431-A-G.
Other names: c.1627A>G, p.Ile543Val (NM_001114183.2); c.1387A>G, p.Ile463Val (NM_001258019.2); c.1342A>G, p.Ile448Val (NM_001258020.2); c.1657A>G, p.Ile553Val (NM_001258021.2, NM_001258022.2); c.1420A>G, p.Ile474Val (NM_001258023.1, NM_001364167.2); c.1459A>G, p.Ile487Val (NM_001364165.2); c.1654A>G, p.Ile552Val (NM_001364166.2); short protein forms I448V, I463V, I474V, I487V, I543V, I552V, I553V.
Identifiers: ClinVar variation 4527985 (VCV004527985.1).

ClinVar aggregate classification (germline): Uncertain significance (1 of 4 stars; one submission).

gnomAD v4.1: 1 of 1,613,744 alleles (0.000062%); highest among the groups gnomAD compares: Non-Finnish European, 0.000085%; no homozygotes.

Submission:

GeneDx
Classification: Uncertain significance. Last evaluated: 2025-05-01. Review status: criteria provided, single submitter. Criteria: GeneDx Variant Classification Process June 2021. Collection method: clinical testing. Allele origin: germline. Affected: yes.
Comment: Not observed at significant frequency in large population cohorts (gnomAD); In silico analysis suggests that this missense variant does not alter protein structure/function; Has not been previously published as pathogenic or benign to our knowledge